The following is an entry in ClinVar:

NM_139321.3(ATRN):c.260C>T (p.Ala87Val)

Genes: ATRN (attractin; plus strand), LOC130065331 (ATAC-STARR-seq lymphoblastoid silent region 12621; plus strand). Cytogenetic location: 20p13.
Variant type: single nucleotide variant.
Coding change: c.260C>T on transcript NM_139321.3 (MANE Select); coding-DNA position 260, C replaced by T.
Protein change: p.Ala87Val; replaces alanine 87 with valine.
Molecular consequence: missense variant. On other transcripts: intron variant (1).
Genome position (GRCh38, 1-based): chr20:3,471,367, C>T. VCF-style: chr20-3471367-C-T. GRCh37 (hg19) VCF-style: chr20-3452014-C-T.
Other names: c.260C>T (NM_139321.2); c.260C>T, p.Ala87Val (NM_001323332.2, NM_139322.4); c.62+233C>T (NM_001207047.3); short protein forms A87V.
Identifiers: ClinVar variation 2076029 (VCV002076029.5), dbSNP rs542464289, ClinGen allele CA9743777.

ClinVar aggregate classification (germline): Uncertain significance. Review status: criteria provided, multiple submitters, no conflicts (2 of 4 stars). 2 submissions from 2 submitters: Uncertain significance (2). Last evaluated 2024-07-16.

Allele frequency attached by ClinVar (database versions not stated): 1000 Genomes Project 30x 0.00031; 1000 Genomes Project 0.00040; gnomAD exomes 0.00005; gnomAD 0.00004; TOPMed 0.00004.
gnomAD v4.1: 71 of 1,482,096 alleles (0.0048%); highest among the groups gnomAD compares: Non-Finnish European, 0.0056%; 1 homozygote.

Submissions (2):

Ambry Genetics
Classification: Uncertain significance. Last evaluated: 2024-07-16. Review status: criteria provided, single submitter. Criteria: Ambry Variant Classification Scheme 2023. Collection method: clinical testing. Allele origin: germline.

Labcorp Genetics (formerly Invitae), Labcorp
Classification: Uncertain significance. Last evaluated: 2023-12-11. Review status: criteria provided, single submitter. Criteria: Invitae Variant Classification Sherloc (09022015). Collection method: clinical testing. Allele origin: germline.
Comment: This sequence change replaces alanine, which is neutral and non-polar, with valine, which is neutral and non-polar, at codon 87 of the ATRN protein (p.Ala87Val). The frequency data for this variant in the population databases is considered unreliable, as metrics indicate poor data quality at this position in the gnomAD database. This variant has not been reported in the literature in individuals affected with ATRN-related conditions. ClinVar contains an entry for this variant (Variation ID: 2076029). Experimental studies and prediction algorithms are not available or were not evaluated, and the functional significance of this variant is currently unknown. In summary, the available evidence is currently insufficient to determine the role of this variant in disease. Therefore, it has been classified as a Variant of Uncertain Significance.